The following is an entry in ClinVar:

ClinVar aggregate classification (germline): Benign/Likely benign. Review status: criteria provided, multiple submitters, no conflicts (2 of 4 stars). 5 submissions from 4 submitters: Benign (2); Likely benign (3). Last evaluated 2026-01-08.

Conditions:
Metaphyseal chondrodysplasia, Jansen type. Also called: Metaphyseal chondrodysplasia Murk Jansen type; PTH1R-Related Jansen Metaphyseal Chondrodysplasia. Identifiers: Orphanet 33067, MedGen C0265295, MONDO:0007982, OMIM 156400.
Chondrodysplasia Blomstrand type (BOCD). Identifiers: Orphanet 50945, MedGen C1859148, MONDO:0008970, OMIM 215045.
Eiken syndrome (EKNS). Also called: BONE MODELING DEFECT OF HANDS AND FEET. Identifiers: Orphanet 79106, MedGen C1838779, MONDO:0010803, OMIM 600002.
Primary failure of tooth eruption. Also called: UNERUPTED SECOND PRIMARY MOLAR; POSTERIOR OPENBITE MALOCCLUSION, FAMILIAL; PRIMARY RETENTION OF TEETH; DENTAL NONERUPTION. Identifiers: Orphanet 412206, MedGen C1852222, MONDO:0007434, OMIM 125350.

Allele frequency attached by ClinVar (database versions not stated): gnomAD below 0.00001 and 0.00016; TOPMed 0.00002; 1000 Genomes Project 30x 0.00109; 1000 Genomes Project 0.00120.
gnomAD v4.1: 367 of 1,596,054 alleles (0.023%); highest among the groups gnomAD compares: South Asian, 0.38%; 2 homozygotes.

Submissions (5):

Labcorp Genetics (formerly Invitae), Labcorp
Classification: Benign. Last evaluated: 2026-01-08. Review status: criteria provided, single submitter. Criteria: Invitae Variant Classification Sherloc (09022015). Collection method: clinical testing. Allele origin: germline.

Blueprint Genetics
Classification: Likely benign. Last evaluated: 2024-05-20. Review status: criteria provided, single submitter. Criteria: ACMG Guidelines, 2015. Collection method: clinical testing. Allele origin: germline.

Fulgent Genetics
Classification: Likely benign for Primary failure of tooth eruption; Metaphyseal chondrodysplasia, Jansen type; Chondrodysplasia Blomstrand type; Eiken syndrome. Last evaluated: 2021-11-29. Review status: criteria provided, single submitter. Criteria: ACMG Guidelines, 2015. Collection method: clinical testing. Allele origin: unknown.

Illumina Laboratory Services, Illumina
Classification: Likely benign for Chondrodysplasia Blomstrand type. Last evaluated: 2018-01-12. Review status: criteria provided, single submitter. Criteria: ICSL Variant Classification Criteria 13 December 2019. Collection method: clinical testing. Allele origin: germline.
Comment: This variant was observed in the ICSL laboratory as part of a predisposition screen in an ostensibly healthy population. It had not been previously curated by ICSL or reported in the Human Gene Mutation Database (HGMD: prior to June 1st, 2018), and was therefore a candidate for classification through an automated scoring system. Utilizing variant allele frequency, disease prevalence and penetrance estimates, and inheritance mode, an automated score was calculated to assess if this variant is too frequent to cause the disease. Based on the score and internal cut-off values, a variant classified as likely benign is not then subjected to further curation. The score for this variant resulted in a classification of likely benign for this disease.

Illumina Laboratory Services, Illumina
Classification: Benign for Metaphyseal chondrodysplasia, Jansen type. Last evaluated: 2018-01-12. Review status: criteria provided, single submitter. Criteria: ICSL Variant Classification Criteria 13 December 2019. Collection method: clinical testing. Allele origin: germline.
Comment: This variant was observed in the ICSL laboratory as part of a predisposition screen in an ostensibly healthy population. It had not been previously curated by ICSL or reported in the Human Gene Mutation Database (HGMD: prior to June 1st, 2018), and was therefore a candidate for classification through an automated scoring system. Utilizing variant allele frequency, disease prevalence and penetrance estimates, and inheritance mode, an automated score was calculated to assess if this variant is too frequent to cause the disease. Based on the score and internal cut-off values, a variant classified as benign is not then subjected to further curation. The score for this variant resulted in a classification of benign for this disease.

NM_000316.3(PTH1R):c.771C>A (p.Thr257=)

Gene: PTH1R (parathyroid hormone 1 receptor; plus strand). Cytogenetic location: 3p21.31.
Variant type: single nucleotide variant.
Coding change: c.771C>A on transcript NM_000316.3 (MANE Select); coding-DNA position 771, C replaced by A.
Protein change: p.Thr257=; no amino-acid change (threonine 257 retained).
Molecular consequence: synonymous variant.
Genome position (GRCh38, 1-based): chr3:46,898,794, C>A. VCF-style: chr3-46898794-C-A. GRCh37 (hg19) VCF-style: chr3-46940284-C-A.
Other names: c.771C>A, p.Thr257= (NM_001184744.1).
Identifiers: ClinVar variation 750608 (VCV000750608.13), dbSNP rs201016660, ClinGen allele CA2359308.